The following is an entry in ClinVar:

ClinVar aggregate classification (germline): Likely pathogenic (1 of 4 stars; one submission).

Conditions:
Mucolipidosis type II. Also called: Mucolipidosis 2; ML 2; Inclusion cell disease; Leroy Disease; N-acetylglucosamine 1phosphotransferase deficiency; ML disorder type 2. Identifiers: Orphanet 576, MedGen C2673377, MONDO:0009650, OMIM 252500.
Pseudo-Hurler polydystrophy. Also called: ML IIIA; Mucolipidosis III Alpha/Beta; MUCOLIPIDOSIS IIIA; ML III; ML III ALPHA/BETA; Type III Mucolipidosis. Identifiers: Orphanet 423461, Orphanet 577, MedGen C0033788, MONDO:0018931, OMIM 252600.

Submission:

Labcorp Genetics (formerly Invitae), Labcorp
Classification: Likely pathogenic for Pseudo-Hurler polydystrophy; Mucolipidosis type II. Last evaluated: 2019-06-26. Review status: criteria provided, single submitter. Criteria: Invitae Variant Classification Sherloc (09022015). Collection method: clinical testing. Allele origin: germline.
Comment: In summary, the currently available evidence indicates that the variant is pathogenic, but additional data are needed to prove that conclusively. Therefore, this variant has been classified as Likely Pathogenic. Donor and acceptor splice site variants typically lead to a loss of protein function (PMID: 16199547), and loss-of-function variants in GNPTAB are known to be pathogenic (PMID: 19617216, 25107912). This sequence change affects a donor splice site in intron 14 of the GNPTAB gene. It is expected to disrupt RNA splicing and likely results in an absent or disrupted protein product. Algorithms developed to predict the effect of sequence changes on RNA splicing suggest that this variant may disrupt the consensus splice site, but this prediction has not been confirmed by published transcriptional studies. This variant has not been reported in the literature in individuals with GNPTAB-related conditions. This variant is not present in population databases (ExAC no frequency).

Literature cited by the submitters: PubMed 16199547; PubMed 19617216; PubMed 25107912.

NM_024312.5(GNPTAB):c.2915+1G>A

Gene: GNPTAB (N-acetylglucosamine-1-phosphate transferase subunits alpha and beta; minus strand). Cytogenetic location: 12q23.2.
Variant type: single nucleotide variant.
Coding change: c.2915+1G>A on transcript NM_024312.5 (MANE Select); the canonical splice donor site of the intron after coding-DNA position 2915, G replaced by A.
Molecular consequence: splice donor variant.
Genome position (GRCh38, 1-based): chr12:101,761,563, C>T on the plus strand (G>A on the coding strand, the complement: GNPTAB is on the minus strand). VCF-style: chr12-101761563-C-T. GRCh37 (hg19) VCF-style: chr12-102155341-C-T.
Identifiers: ClinVar variation 948243 (VCV000948243.8), dbSNP rs1952995034, ClinGen allele CA386296075.
Genomic context (GRCh38, chr12:101,761,563, plus strand): 5'-ACATTTCAAGTAGCCTTAGTTCTGAACACAAGCAAACAACTCAAACACGAGCAAGACTTA[C>T]ATATCTTGCAGTTCTTGCATAACAATCCGGTCAATCATGTGAGGCATGTGAGCAGGGACT-3'